The following is an entry in ClinVar:

ClinVar aggregate classification (germline): Likely benign. Review status: criteria provided, multiple submitters, no conflicts (2 of 4 stars). 2 submissions from 2 submitters: Likely benign (2). Last evaluated 2025-05-28.

Conditions:
Muscular dystrophy-dystroglycanopathy (congenital with impaired intellectual development), type B, 2. Also called: MUSCULAR DYSTROPHY, CONGENITAL, POMT2-RELATED; Muscular dystrophy-dystroglycanopathy (congenital with intellectual disability), type B2. Identifiers: MedGen C3150416, MONDO:0013160, OMIM 613156.
Muscular dystrophy-dystroglycanopathy (congenital with brain and eye anomalies), type A2. Also called: MUSCULAR DYSTROPHY-DYSTROGLYCANOPATHY (CONGENITAL WITH BRAIN AND EYE ANOMALIES), TYPE A, 2; WALKER-WARBURG SYNDROME OR MUSCLE-EYE-BRAIN DISEASE, POMT2-RELATED. Identifiers: Orphanet 588, Orphanet 899, MedGen C3150411, MONDO:0013154, OMIM 613150.
Autosomal recessive limb-girdle muscular dystrophy type 2N. Also called: MUSCULAR DYSTROPHY-DYSTROGLYCANOPATHY, LIMB-GIRDLE, POMT2-RELATED; Muscular dystrophy-dystroglycanopathy (limb-girdle), type C, 2. Identifiers: Orphanet 206559, MedGen C3150418, MONDO:0013162, OMIM 613158.
POMT2-related disorder. Also called: POMT2-related condition.

Submissions (2):

PreventionGenetics, part of Exact Sciences
Classification: Likely benign for POMT2-related condition. Last evaluated: 2025-05-28. Review status: criteria provided, single submitter. Criteria: ACMG Guidelines, 2015. Collection method: clinical testing. Allele origin: germline.
Comment: This variant is classified as likely benign based on ACMG/AMP sequence variant interpretation guidelines (Richards et al. 2015 PMID: 25741868, with internal and published modifications).

Labcorp Genetics (formerly Invitae), Labcorp
Classification: Likely benign for Muscular dystrophy-dystroglycanopathy (congenital with impaired intellectual development), type B, 2; Muscular dystrophy-dystroglycanopathy (congenital with brain and eye anomalies), type A2; Autosomal recessive limb-girdle muscular dystrophy type 2N. Last evaluated: 2023-07-31. Review status: criteria provided, single submitter. Criteria: Invitae Variant Classification Sherloc (09022015). Collection method: clinical testing. Allele origin: germline.

NM_013382.7(POMT2):c.2163C>T (p.His721=)

Gene: POMT2 (protein O-mannosyltransferase 2; minus strand). Cytogenetic location: 14q24.3.
Variant type: single nucleotide variant.
Coding change: c.2163C>T on transcript NM_013382.7 (MANE Select); coding-DNA position 2163, C replaced by T.
Protein change: p.His721=; no amino-acid change (histidine 721 retained).
Molecular consequence: synonymous variant.
Genome position (GRCh38, 1-based): chr14:77,277,466, G>A on the plus strand (C>T on the coding strand, the complement: POMT2 is on the minus strand). VCF-style: chr14-77277466-G-A. GRCh37 (hg19) VCF-style: chr14-77743809-G-A.
Identifiers: ClinVar variation 2930805 (VCV002930805.4), dbSNP rs1890013133, ClinGen allele CA487324056.